The following is an entry in ClinVar:

ClinVar aggregate classification (germline): Uncertain significance (1 of 4 stars; one submission).

Allele frequency attached by ClinVar (database versions not stated): gnomAD exomes 0.00001.
gnomAD v4.1: 9 of 1,613,796 alleles (0.00056%); highest among the groups gnomAD compares: Non-Finnish European, 0.00076%; no homozygotes.

Submission:

GeneDx
Classification: Uncertain significance. Last evaluated: 2023-03-22. Review status: criteria provided, single submitter. Criteria: GeneDx Variant Classification Process June 2021. Collection method: clinical testing. Allele origin: germline. Affected: yes.
Comment: Not observed at significant frequency in large population cohorts (gnomAD); Has not been previously published as pathogenic or benign to our knowledge

NM_001267550.2(TTN):c.86933T>C (p.Val28978Ala)

Genes: TTN (titin; minus strand), TTN-AS1 (TTN antisense RNA 1; plus strand). Cytogenetic location: 2q31.2.
Variant type: single nucleotide variant.
Coding change: c.86933T>C on transcript NM_001267550.2 (MANE Select); coding-DNA position 86933, T replaced by C.
Protein change: p.Val28978Ala; replaces valine 28978 with alanine.
Molecular consequence: missense variant.
Genome position (GRCh38, 1-based): chr2:178,558,526, A>G on the plus strand (T>C on the coding strand, the complement: TTN is on the minus strand). VCF-style: chr2-178558526-A-G. GRCh37 (hg19) VCF-style: chr2-179423253-A-G.
Other names: c.82010T>C, p.Val27337Ala (NM_001256850.1); c.59738T>C, p.Val19913Ala (NM_003319.4); c.79229T>C, p.Val26410Ala (NM_133378.4); c.60113T>C, p.Val20038Ala (NM_133432.3); c.60314T>C, p.Val20105Ala (NM_133437.4); short protein forms V19913A, V20038A, V20105A, V26410A, V27337A, V28978A.
Identifiers: ClinVar variation 2580755 (VCV002580755.1), dbSNP rs2469574200, ClinGen allele CA349540413.